The following is an entry in ClinVar:

NM_007294.4(BRCA1):c.1022A>C (p.Asp341Ala)

Gene: BRCA1 (BRCA1 DNA repair associated; minus strand). Cytogenetic location: 17q21.31.
Variant type: single nucleotide variant.
Coding change: c.1022A>C on transcript NM_007294.4 (MANE Select); coding-DNA position 1022, A replaced by C.
Protein change: p.Asp341Ala; replaces aspartic acid 341 with alanine.
Molecular consequence: missense variant. On other transcripts: intron variant (137).
Genome position (GRCh38, 1-based): chr17:43,094,509, T>G on the plus strand (A>C on the coding strand, the complement: BRCA1 is on the minus strand). VCF-style: chr17-43094509-T-G. GRCh37 (hg19) VCF-style: chr17-41246526-T-G.
Other names: c.1019A>C, p.Asp340Ala (NM_001407591.1, NM_001407587.1, NM_001407590.1 and 22 more transcripts); c.689A>C, p.Asp230Ala (NM_001407953.1, NM_001407957.1, NM_001407946.1 and 6 more transcripts); c.686A>C, p.Asp229Ala (NM_001407954.1, NM_001407955.1, NM_001407956.1 and 1 more transcripts); c.1022A>C, p.Asp341Ala (NM_001407603.1, NM_001407596.1, NM_001407593.1 and 30 more transcripts); c.641A>C, p.Asp214Ala (NM_001407959.1, NM_001407960.1, NM_001407963.1); c.638A>C, p.Asp213Ala (NM_001407962.1); c.878A>C, p.Asp293Ala (NM_001407964.1, NM_001407740.1, NM_001407741.1 and 20 more transcripts); c.518A>C, p.Asp173Ala (NM_001407965.1); and 40 more; short protein forms D341A, D294A, D213A, D270A, D271A, D273A, D300A, D214A.
Identifiers: ClinVar variation 574708 (VCV000574708.16), dbSNP rs1567801162, ClinGen allele CA10600016.

ClinVar aggregate classification (germline): Conflicting classifications of pathogenicity. Review status: criteria provided, conflicting classifications (1 of 4 stars). 3 submissions from 3 submitters: Uncertain significance (2); Likely benign (1). Last evaluated 2025-04-01.

Conditions:
Hereditary breast ovarian cancer syndrome. Also called: BRCA1- and BRCA2-Associated Hereditary Breast and Ovarian Cancer; Hereditary breast and ovarian cancer; Hereditary breast and/or ovarian cancer syndrome; Hereditary breast and ovarian cancer syndrome; Hereditary breast and ovarian cancer syndrome (HBOC); Breast and ovarian cancer. Identifiers: Orphanet 145, MedGen C0677776, MeSH D061325, MONDO:0003582. Disease mechanism: loss of function.
Hereditary cancer-predisposing syndrome. Also called: Neoplastic Syndromes, Hereditary; Hereditary Cancer Syndrome; Tumor predisposition; Hereditary neoplastic syndrome. Identifiers: Orphanet 140162, MedGen C0027672, MeSH D009386, MONDO:0015356.

Allele frequency attached by ClinVar (database versions not stated): gnomAD exomes below 0.00001.
gnomAD v4.1: 1 of 1,614,060 alleles (0.000062%); highest among the groups gnomAD compares: Non-Finnish European, 0.000085%; no homozygotes.

Submissions (3):

Labcorp Genetics (formerly Invitae), Labcorp
Classification: Uncertain significance for Hereditary breast ovarian cancer syndrome. Last evaluated: 2025-04-01. Review status: criteria provided, single submitter. Criteria: Invitae Variant Classification Sherloc (09022015). Collection method: clinical testing. Allele origin: germline.
Comment: This sequence change replaces aspartic acid, which is acidic and polar, with alanine, which is neutral and non-polar, at codon 341 of the BRCA1 protein (p.Asp341Ala). This variant is not present in population databases (gnomAD no frequency). This variant has not been reported in the literature in individuals affected with BRCA1-related conditions. ClinVar contains an entry for this variant (Variation ID: 574708). Invitae Evidence Modeling of protein sequence and biophysical properties (such as structural, functional, and spatial information, amino acid conservation, physicochemical variation, residue mobility, and thermodynamic stability) has been performed for this missense variant. However, the output from this modeling did not meet the statistical confidence thresholds required to predict the impact of this variant on BRCA1 protein function. In summary, the available evidence is currently insufficient to determine the role of this variant in disease. Therefore, it has been classified as a Variant of Uncertain Significance.

Ambry Genetics
Classification: Uncertain significance for Hereditary cancer-predisposing syndrome. Last evaluated: 2024-01-22. Review status: criteria provided, single submitter. Criteria: Ambry Variant Classification Scheme 2023. Collection method: clinical testing. Allele origin: germline.
Comment: The p.D341A variant (also known as c.1022A>C), located in coding exon 9 of the BRCA1 gene, results from an A to C substitution at nucleotide position 1022. The aspartic acid at codon 341 is replaced by alanine, an amino acid with dissimilar properties. This amino acid position is not well conserved in available vertebrate species. In addition, the in silico prediction for this alteration is inconclusive. Since supporting evidence is limited at this time, the clinical significance of this alteration remains unclear.

University of Washington Department of Laboratory Medicine, University of Washington
Classification: Likely benign for Hereditary cancer-predisposing syndrome. Last evaluated: 2023-03-23. Review status: criteria provided, single submitter. Criteria: Dines et al. (Genet Med. 2020). Collection method: curation. Allele origin: germline.
Comment: Missense variant in a coldspot region where missense variants are very unlikely to be pathogenic (PMID:31911673).

BRCA1 coldspot (exon 11 using historical exon numbering). Reclassification based on statistical prior probability